The following is an entry in ClinVar:

ClinVar aggregate classification (germline): Uncertain significance (1 of 4 stars; one submission).

Conditions:
Cryopyrin associated periodic syndrome (CAPS). Identifiers: Orphanet 208650, MedGen C2316212, MONDO:0016168.

Submission:

Labcorp Genetics (formerly Invitae), Labcorp
Classification: Uncertain significance for Cryopyrin associated periodic syndrome. Last evaluated: 2023-04-10. Review status: criteria provided, single submitter. Criteria: Invitae Variant Classification Sherloc (09022015). Collection method: clinical testing. Allele origin: germline.
Comment: This variant is not present in population databases (gnomAD no frequency). This variant has not been reported in the literature in individuals affected with NLRP3-related conditions. Advanced modeling of protein sequence and biophysical properties (such as structural, functional, and spatial information, amino acid conservation, physicochemical variation, residue mobility, and thermodynamic stability) has been performed at Invitae for this missense variant, however the output from this modeling did not meet the statistical confidence thresholds required to predict the impact of this variant on NLRP3 protein function. In summary, the available evidence is currently insufficient to determine the role of this variant in disease. Therefore, it has been classified as a Variant of Uncertain Significance. This sequence change replaces tyrosine, which is neutral and polar, with histidine, which is basic and polar, at codon 632 of the NLRP3 protein (p.Tyr632His).

NM_001243133.2(NLRP3):c.1888T>C (p.Tyr630His)

Gene: NLRP3 (NLR family pyrin domain containing 3; plus strand). Cytogenetic location: 1q44.
Variant type: single nucleotide variant.
Coding change: c.1888T>C on transcript NM_001243133.2 (MANE Select); coding-DNA position 1888, T replaced by C.
Protein change: p.Tyr630His; replaces tyrosine 630 with histidine.
Molecular consequence: missense variant.
Genome position (GRCh38, 1-based): chr1:247,425,337, T>C. VCF-style: chr1-247425337-T-C. GRCh37 (hg19) VCF-style: chr1-247588639-T-C.
Other names: c.1888T>C, p.Tyr630His (NM_001079821.3, NM_001127461.3, NM_001127462.3 and 1 more transcripts); c.1894T>C, p.Tyr632His (NM_004895.5); short protein forms Y630H, Y632H.
Identifiers: ClinVar variation 3007013 (VCV003007013.3), dbSNP rs2527276033, ClinGen allele CA345558044.
Genomic context (GRCh38, chr1:247,425,337, plus strand): 5'-ATTGAAGTGAAAGCCAAAGCTAAAAAGCTGCAGATCCAGCCCAGCCAGCTGGAATTGTTC[T>C]ACTGTTTGTACGAGATGCAGGAGGAGGACTTCGTGCAAAGGGCCATGGACTATTTCCCCA-3'
Protein context (NP_001230062.1, residues 620-640): QIQPSQLELF[Tyr630His]CLYEMQEEDF